The following is an entry in ClinVar:

NM_130797.4(DPP6):c.226G>A (p.Asp76Asn)

Gene: DPP6 (dipeptidyl peptidase like 6; plus strand). Cytogenetic location: 7q36.2.
Variant type: single nucleotide variant.
Coding change: c.226G>A on transcript NM_130797.4 (MANE Select); coding-DNA position 226, G replaced by A.
Protein change: p.Asp76Asn; replaces aspartic acid 76 with asparagine.
Molecular consequence: missense variant. On other transcripts: intron variant (6).
Genome position (GRCh38, 1-based): chr7:154,053,046, G>A. VCF-style: chr7-154053046-G-A. GRCh37 (hg19) VCF-style: chr7-153750131-G-A.
Other names: c.226G>A, p.Asp76Asn (NM_001290253.2); c.60+304038G>A (NM_001364500.2, NM_001364499.2, NM_001364497.2 and 1 more transcripts); c.51+165312G>A (NM_001364501.2, NM_001039350.3); short protein forms D76N.
Identifiers: ClinVar variation 377138 (VCV000377138.8), dbSNP rs569787719, ClinGen allele CA4582966.

ClinVar aggregate classification (germline): Conflicting classifications of pathogenicity. Review status: criteria provided, conflicting classifications (1 of 4 stars). 5 submissions from 5 submitters: Uncertain significance (1); Likely benign (2). 2 of the submissions do not count toward it. Last evaluated 2024-11-27.

Allele frequency attached by ClinVar (database versions not stated): 1000 Genomes Project 0.00819; 1000 Genomes Project 30x 0.00984; gnomAD 0.01607; gnomAD exomes 0.02365 and 0.02864; ExAC 0.08333.

Submissions (5):

Blueprint Genetics
Classification: Uncertain significance. Last evaluated: 2024-11-27. Review status: criteria provided, single submitter. Criteria: ACMG Guidelines, 2015. Collection method: clinical testing. Allele origin: germline.

Center for Pediatric Genomic Medicine, Children's Mercy Hospital and Clinics
Classification: Likely benign. Last evaluated: 2016-06-10. Review status: criteria provided, single submitter. Criteria: ACMG Guidelines, 2015. Collection method: clinical testing. Allele origin: germline.
ClinVar note: Converted during submission from Likely Benign to Likely benign.

Breakthrough Genomics
Classification: Likely benign. Review status: criteria provided, single submitter. Criteria: ACMG Guidelines, 2015. Collection method: not provided. Allele origin: germline. Inheritance: Autosomal dominant inheritance. Affected: yes.

Clinical Genetics DNA and cytogenetics Diagnostics Lab, Erasmus MC, Erasmus Medical Center
Classification: Benign. Review status: no assertion criteria provided. Collection method: clinical testing. Allele origin: germline. Affected: yes. Study: VKGL Data-share Consensus. Not counted in ClinVar's aggregate classification.

Clinical Genetics, Academic Medical Center
Classification: Likely benign. Review status: no assertion criteria provided. Collection method: clinical testing. Allele origin: germline. Affected: yes. Study: VKGL Data-share Consensus. Not counted in ClinVar's aggregate classification.